The following is an entry in ClinVar:

NM_007294.4(BRCA1):c.93C>G (p.Ile31Met)

Gene: BRCA1 (BRCA1 DNA repair associated; minus strand). Cytogenetic location: 17q21.31.
Variant type: single nucleotide variant.
Coding change: c.93C>G on transcript NM_007294.4 (MANE Select); coding-DNA position 93, C replaced by G.
Protein change: p.Ile31Met; replaces isoleucine 31 with methionine.
Molecular consequence: missense variant. On other transcripts: non-coding transcript variant (1), intron variant (1).
Genome position (GRCh38, 1-based): chr17:43,115,767, G>C on the plus strand (C>G on the coding strand, the complement: BRCA1 is on the minus strand). VCF-style: chr17-43115767-G-C. GRCh37 (hg19) VCF-style: chr17-41267784-G-C.
Other names: c.-96C>G (NM_001408506.1, NM_001408507.1, NM_001408508.1 and 52 more transcripts); c.-211C>G (NM_001408510.1, NM_001408512.1, NM_001407960.1 and 1 more transcripts); c.93C>G, p.Ile31Met (NM_007298.4, NM_007299.4, NM_007300.4 and 192 more transcripts); c.-8+8250C>G (NM_007297.4); c.-165C>G (NM_001407694.1, NM_001407696.1, NM_001407724.1 and 13 more transcripts); c.-169C>G (NM_001407695.1, NM_001408465.1); c.-49C>G (NM_001407697.1, NM_001407725.1, NM_001407728.1 and 47 more transcripts); c.-45C>G (NM_001407841.1); and 2 more; short protein forms I31M.
Identifiers: ClinVar variation 55760 (VCV000055760.18), dbSNP rs80357000, ClinGen allele CA003976.

ClinVar aggregate classification (germline): Conflicting classifications of pathogenicity. Review status: criteria provided, conflicting classifications (1 of 4 stars). 7 submissions from 7 submitters: Uncertain significance (2); Likely benign (4). 1 of the submissions does not count toward it. Last evaluated 2025-08-11.

Conditions:
Breast-ovarian cancer, familial, susceptibility to, 1 (BROVCA1). Also called: BRCA1 Hereditary Breast and Ovarian Cancer; OVARIAN CANCER, SUSCEPTIBILITY TO. Identifiers: Orphanet 145, MedGen C2676676, MONDO:0011450, OMIM 604370. Disease mechanism: loss of function.
Hereditary cancer-predisposing syndrome. Also called: Hereditary Cancer Syndrome; Hereditary neoplastic syndrome; Neoplastic Syndromes, Hereditary; Tumor predisposition. Identifiers: Orphanet 140162, MedGen C0027672, MeSH D009386, MONDO:0015356.
Hereditary breast ovarian cancer syndrome. Also called: BRCA1- and BRCA2-Associated Hereditary Breast and Ovarian Cancer; Hereditary breast and ovarian cancer syndrome; Hereditary breast and ovarian cancer syndrome (HBOC); Breast and ovarian cancer; Hereditary breast and/or ovarian cancer syndrome; Hereditary breast and ovarian cancer. Identifiers: Orphanet 145, MedGen C0677776, MeSH D061325, MONDO:0003582. Disease mechanism: loss of function.

Allele frequency attached by ClinVar (database versions not stated): gnomAD exomes below 0.00001; ExAC 0.00001; gnomAD 0.00001.
gnomAD v4.1: 1 of 1,613,378 alleles (0.000062%); highest among the groups gnomAD compares: Non-Finnish European, 0.000085%; no homozygotes.

Submissions (8):

Ambry Genetics
Classification: Likely benign for Hereditary cancer-predisposing syndrome. Last evaluated: 2025-08-11. Review status: criteria provided, single submitter. Criteria: Ambry Variant Classification Scheme 2023. Collection method: clinical testing. Allele origin: germline.

Quest Diagnostics Nichols Institute San Juan Capistrano
Classification: Uncertain significance. Last evaluated: 2025-02-26. Review status: criteria provided, single submitter. Criteria: Quest Diagnostics criteria. Collection method: clinical testing. Allele origin: unknown.
Comment: The BRCA1 c.93C>G (p.Ile31Met) variant has been reported in the published literature in individuals/families affected with breast and/or ovarian cancer (PMIDs: 11573085 (2001), 21232165 (2011), 27062684 (2016), 35585550 (2022), 37664050 (2023)). This variant was also demonstrated to have either an intermediate effect (PMID: 36860287 (2021)) or no effect on several BRCA1 cellular processes in multiple functional studies (PMIDs: 11320250 (2001), 16403807 (2006), 20103620 (2010), 21725363 (2012), 23161852 (2013), 25823446 (2015), 27272900 (2016), 30209399 (2018), 30219179 (2018), 30696104 (2019), 30918126 (2019), 35196514 (2022)). The frequency of this variant in the general population (Genome Aggregation Database) is uninformative in the assessment of its pathogenicity. Based on the available information, we are unable to determine the clinical significance of this variant.

Labcorp Genetics (formerly Invitae), Labcorp
Classification: Likely benign for Hereditary breast ovarian cancer syndrome. Last evaluated: 2024-04-18. Review status: criteria provided, single submitter. Criteria: Invitae Variant Classification Sherloc (09022015). Collection method: clinical testing. Allele origin: germline.

Color Diagnostics, LLC DBA Color Health
Classification: Likely benign for Hereditary cancer-predisposing syndrome. Last evaluated: 2018-02-22. Review status: criteria provided, single submitter. Criteria: ACMG Guidelines, 2015. Collection method: clinical testing. Allele origin: germline.

GeneDx
Classification: Likely benign. Last evaluated: 2016-10-10. Review status: criteria provided, single submitter. Criteria: GeneDx Variant Classification (06012015). Collection method: clinical testing. Allele origin: germline. Affected: yes.
Comment: This variant is considered likely benign or benign based on one or more of the following criteria: it is a conservative change, it occurs at a poorly conserved position in the protein, it is predicted to be benign by multiple in silico algorithms, and/or has population frequency not consistent with disease.

Women's Health and Genetics/Laboratory Corporation of America, LabCorp
Classification: Uncertain significance. Last evaluated: 2016-06-08. Review status: criteria provided, single submitter. Criteria: LabCorp Variant Classification Summary - May 2015. Collection method: clinical testing. Allele origin: germline.
Comment: Variant summary: The BRCA1 c.93C>G (p.Ile31Met) variant involves the alteration of a non-conserved nucleotide and results in a replacement of an Isoleucine located in the central RING domain of BRCA1 with a Methionine. 2/3 in silico tools predict a damaging outcome (SNPs&GO and mutation taster not captured due to low reliability index) for this substitution. This variant was found in 1/112524 control chromosomes at a frequency of 0.0000089, which does not exceed the estimated maximal expected allele frequency of a pathogenic BRCA1 variant (0.0010005). It was reported in three probands from HBOC families, however without co-segregation and co-occurrence information, therefore these occurrences do not allow establishment of a cause effect relationship between the variant and the disease. Functional studies demonstrated the variant to be proficient in BARD1 and UbcH5a binding, to be radiation resistant and to decrease E3 activity of BRCA1. Most importantly, the variant was shown not to have a significant impact on homology directed repair activity of BRCA1 which is essential for its tumor suppressing function. The functional studies indicate the variant to be in the neutral spectrum; however, due to lack of stronger clinical information about variant carries, the variant was classified as a variant of uncertain significance (VUS) until additional information becomes available.

Breast Cancer Information Core (BIC) (BRCA1)
Classification: Uncertain significance for Breast-ovarian cancer, familial 1. Last evaluated: 2002-05-29. Review status: no assertion criteria provided. Collection method: clinical testing. Allele origin: germline. Affected: yes. Observed: 3 variant alleles. Not counted in ClinVar's aggregate classification.

Brotman Baty Institute, University of Washington
No classification provided (evidence only). Condition: Breast-ovarian cancer, familial 1. Review status: no classification provided. Collection method: in vitro. Allele origin: not applicable. Functional consequence: functionally_normal. Not counted in ClinVar's aggregate classification.
ClinVar note: "not provided" was previously submitted as the classification for the variant. However, the classification appeared to be based only on an observation of functional data so it was converted to no classification on 2025-07-30.

Literature cited by the submitters: PubMed 35196514 (cited by Quest Diagnostics Nichols Institute San Juan Capistrano); PubMed 35585550 (cited by Quest Diagnostics Nichols Institute San Juan Capistrano); PubMed 35729312 (cited by Quest Diagnostics Nichols Institute San Juan Capistrano); PubMed 36179682 (cited by Quest Diagnostics Nichols Institute San Juan Capistrano); PubMed 37664050 (cited by Quest Diagnostics Nichols Institute San Juan Capistrano); PubMed 36775657 (cited by Quest Diagnostics Nichols Institute San Juan Capistrano); PubMed 39349509 (cited by Quest Diagnostics Nichols Institute San Juan Capistrano); PubMed 36860287 (cited by Quest Diagnostics Nichols Institute San Juan Capistrano); PubMed 15235020 (cited by Quest Diagnostics Nichols Institute San Juan Capistrano); PubMed 11573085 (cited by Quest Diagnostics Nichols Institute San Juan Capistrano); PubMed 21147198 (cited by Quest Diagnostics Nichols Institute San Juan Capistrano); PubMed 27272900 (cited by Quest Diagnostics Nichols Institute San Juan Capistrano); PubMed 29203703 (cited by Quest Diagnostics Nichols Institute San Juan Capistrano); PubMed 30219179 (cited by Quest Diagnostics Nichols Institute San Juan Capistrano); PubMed 30696104 (cited by Quest Diagnostics Nichols Institute San Juan Capistrano); PubMed 30918126 (cited by Quest Diagnostics Nichols Institute San Juan Capistrano); PubMed 33471991 (cited by Quest Diagnostics Nichols Institute San Juan Capistrano); PubMed 30209399 (cited by Quest Diagnostics Nichols Institute San Juan Capistrano); PubMed 25823446 (cited by Quest Diagnostics Nichols Institute San Juan Capistrano and Women's Health and Genetics/Laboratory Corporation of America, LabCorp); PubMed 23161852 (cited by Quest Diagnostics Nichols Institute San Juan Capistrano and Women's Health and Genetics/Laboratory Corporation of America, LabCorp); PubMed 21725363 (cited by Quest Diagnostics Nichols Institute San Juan Capistrano and Women's Health and Genetics/Laboratory Corporation of America, LabCorp); PubMed 20103620 (cited by Quest Diagnostics Nichols Institute San Juan Capistrano and Women's Health and Genetics/Laboratory Corporation of America, LabCorp); PubMed 16403807 (cited by Quest Diagnostics Nichols Institute San Juan Capistrano and Women's Health and Genetics/Laboratory Corporation of America, LabCorp); PubMed 21232165 (cited by Quest Diagnostics Nichols Institute San Juan Capistrano and Women's Health and Genetics/Laboratory Corporation of America, LabCorp); PubMed 27062684 (cited by Quest Diagnostics Nichols Institute San Juan Capistrano); PubMed 11320250 (cited by Quest Diagnostics Nichols Institute San Juan Capistrano).